The following is an entry in ClinVar:

ClinVar aggregate classification (germline): Uncertain significance (1 of 4 stars; one submission).

Submission:

GeneDx
Classification: Uncertain significance. Last evaluated: 2022-08-30. Review status: criteria provided, single submitter. Criteria: GeneDx Variant Classification Process June 2021. Collection method: clinical testing. Allele origin: germline. Affected: yes.
Comment: Not observed at significant frequency in large population cohorts (gnomAD); In silico analysis supports that this missense variant has a deleterious effect on protein structure/function; Has not been previously published as pathogenic or benign to our knowledge

NM_001127222.2(CACNA1A):c.2471T>A (p.Val824Glu)

Gene: CACNA1A (calcium voltage-gated channel subunit alpha1 A; minus strand). Cytogenetic location: 19p13.13.
Variant type: single nucleotide variant.
Coding change: c.2471T>A on transcript NM_001127222.2 (MANE Select); coding-DNA position 2471, T replaced by A.
Protein change: p.Val824Glu; replaces valine 824 with glutamic acid.
Molecular consequence: missense variant.
Genome position (GRCh38, 1-based): chr19:13,299,162, A>T on the plus strand (T>A on the coding strand, the complement: CACNA1A is on the minus strand). VCF-style: chr19-13299162-A-T. GRCh37 (hg19) VCF-style: chr19-13409976-A-T.
Other names: c.2483T>A, p.Val828Glu (NM_000068.4, NM_023035.3); c.2474T>A, p.Val825Glu (NM_001127221.2, NM_001174080.2); short protein forms V824E, V825E, V828E.
Identifiers: ClinVar variation 2442517 (VCV002442517.1), dbSNP rs2512909895, ClinGen allele CA404343383.